The following is an entry in ClinVar:

ClinVar aggregate classification (germline): Uncertain significance (1 of 4 stars; one submission).

Allele frequency attached by ClinVar (database versions not stated): gnomAD exomes below 0.00001; gnomAD 0.00001.
gnomAD v4.1: 3 of 1,550,218 alleles (0.00019%); highest among the groups gnomAD compares: Admixed American, 0.0039%; no homozygotes.

Submission:

Labcorp Genetics (formerly Invitae), Labcorp
Classification: Uncertain significance. Last evaluated: 2022-01-26. Review status: criteria provided, single submitter. Criteria: Invitae Variant Classification Sherloc (09022015). Collection method: clinical testing. Allele origin: germline.
Comment: In summary, the available evidence is currently insufficient to determine the role of this variant in disease. Therefore, it has been classified as a Variant of Uncertain Significance. Algorithms developed to predict the effect of missense changes on protein structure and function output the following: SIFT: "Tolerated"; PolyPhen-2: "Benign"; Align-GVGD: "Class C0". The threonine amino acid residue is found in multiple mammalian species, which suggests that this missense change does not adversely affect protein function. This variant has not been reported in the literature in individuals affected with ZNF469-related conditions. This variant is present in population databases (no rsID available, gnomAD 0.004%). This sequence change replaces serine, which is neutral and polar, with threonine, which is neutral and polar, at codon 2252 of the ZNF469 protein (p.Ser2252Thr).

NM_001367624.2(ZNF469):c.6839G>C (p.Ser2280Thr)

Gene: ZNF469 (zinc finger protein 469; plus strand). Cytogenetic location: 16q24.2.
Variant type: single nucleotide variant.
Coding change: c.6839G>C on transcript NM_001367624.2 (MANE Select); coding-DNA position 6839, G replaced by C.
Protein change: p.Ser2280Thr; replaces serine 2280 with threonine.
Molecular consequence: missense variant.
Genome position (GRCh38, 1-based): chr16:88,434,309, G>C. VCF-style: chr16-88434309-G-C. GRCh37 (hg19) VCF-style: chr16-88500717-G-C.
Other names: short protein forms S2280T.
Identifiers: ClinVar variation 1972343 (VCV001972343.3), dbSNP rs1421128987, ClinGen allele CA397107253.
Genomic context (GRCh38, chr16:88,434,309, plus strand): 5'-AGCTGTGGGAGTCTCCTGGCCGAGCCACCTCTCCTCCTCTGGCAGGGGCCGTCTCCCCCA[G>C]CGTGGCCGTCAGGGCTACTGGCCTGTCCAGCACTCCCACCGGAGATGAGGCACAGGCAGG-3'
Protein context (NP_001354553.1, residues 2270-2290): SPPLAGAVSP[Ser2280Thr]VAVRATGLSS